The following is an entry in ClinVar:

NM_000489.6(ATRX):c.1817A>G (p.Gln606Arg)

Gene: ATRX (ATRX chromatin remodeler; minus strand). Cytogenetic location: Xq21.1.
Variant type: single nucleotide variant.
Coding change: c.1817A>G on transcript NM_000489.6 (MANE Select); coding-DNA position 1817, A replaced by G.
Protein change: p.Gln606Arg; replaces glutamine 606 with arginine.
Molecular consequence: missense variant.
Genome position (GRCh38, 1-based): chrX:77,683,439, T>C on the plus strand (A>G on the coding strand, the complement: ATRX is on the minus strand). VCF-style: chrX-77683439-T-C. GRCh37 (hg19) VCF-style: chrX-76938931-T-C.
Other names: c.1703A>G, p.Gln568Arg (NM_138270.5); short protein forms Q568R, Q606R.
Identifiers: ClinVar variation 1189970 (VCV001189970.2), dbSNP rs1557140723, ClinGen allele CA413716221.
Genomic context (GRCh38, chrX:77,683,439, plus strand): 5'-TTCTCTAACTTGGGGTTCAGACCACAACTTTTATAGCCATCTTTATCTTGTGGAACTTCC[T>C]GACAATCAGCACCTTTAATTGGGGAATTAGAAAGGGAAACAGGAGTGAGTTTAACATATA-3'
Protein context (NP_000480.3, residues 596-616): SNSPIKGADC[Gln606Arg]EVPQDKDGYK

ClinVar aggregate classification (germline): Likely benign (1 of 4 stars; one submission).

Allele frequency attached by ClinVar (database versions not stated): gnomAD exomes below 0.00001 and 0.00001; gnomAD 0.00001.
gnomAD v4.1: 4 of 1,208,713 alleles (0.00033%); highest among the groups gnomAD compares: Admixed American, 0.0044%; no homozygotes.

Submission:

GeneDx
Classification: Likely benign. Last evaluated: 2019-10-23. Review status: criteria provided, single submitter. Criteria: GeneDx Variant Classification Process June 2021. Collection method: clinical testing. Allele origin: germline. Affected: yes.
Comment: Not observed at a significant frequency in large population cohorts (Lek et al., 2016); In silico analysis, which includes protein predictors and evolutionary conservation, supports that this variant does not alter protein structure/function; Has not been previously published as pathogenic or benign to our knowledge